The following is an entry in ClinVar:

ClinVar aggregate classification (germline): Uncertain significance (1 of 4 stars; one submission).

Conditions:
Arrhythmogenic right ventricular dysplasia 13. Also called: ARRHYTHMOGENIC RIGHT VENTRICULAR CARDIOMYOPATHY 13; Arrhythmogenic right ventricular dysplasia, familial, 13. Identifiers: MedGen C3810138, MONDO:0000908, OMIM 615616.

Submission:

Labcorp Genetics (formerly Invitae), Labcorp
Classification: Uncertain significance for Arrhythmogenic right ventricular dysplasia 13. Last evaluated: 2024-03-16. Review status: criteria provided, single submitter. Criteria: Invitae Variant Classification Sherloc (09022015). Collection method: clinical testing. Allele origin: germline.
Comment: This sequence change replaces alanine, which is neutral and non-polar, with serine, which is neutral and polar, at codon 678 of the CTNNA3 protein (p.Ala678Ser). This variant is not present in population databases (gnomAD no frequency). This variant has not been reported in the literature in individuals affected with CTNNA3-related conditions. Advanced modeling of protein sequence and biophysical properties (such as structural, functional, and spatial information, amino acid conservation, physicochemical variation, residue mobility, and thermodynamic stability) performed at Invitae indicates that this missense variant is not expected to disrupt CTNNA3 protein function with a negative predictive value of 80%. In summary, the available evidence is currently insufficient to determine the role of this variant in disease. Therefore, it has been classified as a Variant of Uncertain Significance.

NM_013266.4(CTNNA3):c.2032G>T (p.Ala678Ser)

Gene: CTNNA3 (catenin alpha 3; minus strand). Cytogenetic location: 10q21.3.
Variant type: single nucleotide variant.
Coding change: c.2032G>T on transcript NM_013266.4 (MANE Select); coding-DNA position 2032, G replaced by T.
Protein change: p.Ala678Ser; replaces alanine 678 with serine.
Molecular consequence: missense variant.
Genome position (GRCh38, 1-based): chr10:66,069,435, C>A on the plus strand (G>T on the coding strand, the complement: CTNNA3 is on the minus strand). VCF-style: chr10-66069435-C-A. GRCh37 (hg19) VCF-style: chr10-67829193-C-A.
Other names: c.2032G>T, p.Ala678Ser (NM_001127384.3); short protein forms A678S.
Identifiers: ClinVar variation 3646347 (VCV003646347.2).